The following is an entry in ClinVar:

ClinVar aggregate classification (germline): Likely pathogenic (1 of 4 stars; one submission).

Conditions:
Autosomal recessive limb-girdle muscular dystrophy type 2B (LGMDR2). Also called: MUSCULAR DYSTROPHY, LIMB-GIRDLE, TYPE 3; MUSCULAR DYSTROPHY, LIMB-GIRDLE, AUTOSOMAL RECESSIVE 2; Limb-Girdle Muscular Dystrophy Type 2B (LGMD2B); Limb-girdle muscular dystrophy, type 2B. Identifiers: Orphanet 268, MedGen C1850889, MONDO:0009676, OMIM 253601.

Submission:

Natera, Inc.
Classification: Likely pathogenic for Limb-girdle muscular dystrophy type 2B. Last evaluated: 2024-04-23. Review status: criteria provided, single submitter. Criteria: Natera Variant Classification Schema (03/2026). Collection method: clinical testing. Allele origin: germline.
Comment: The c.5511_5516delCATTTAinsAATTTT variant in DYSF is a deletion-insertion (delins) variant predicted to replace one or more nucleotides with a different sequence. This variant is rare in the general population with a frequency below the threshold expected for the associated phenotype(s). This variant has been observed in one or more individuals affected with the associated recessive disease, as either homozygous or compound heterozygous with a second variant (PMID: 28403181). A different variant at the same position has been determined to be Pathogenic or Likely Pathogenic. Given the available evidence, this variant is classified as Likely Pathogenic.

Literature cited by the submitters: PubMed 28403181.

NM_001130987.2(DYSF):c.5628_5633delinsAATTTT (p.Asp1876_Tyr1878delinsGluIlePhe)

Gene: DYSF (dysferlin; plus strand). Cytogenetic location: 2p13.2.
Variant type: Indel.
Coding change: c.5628_5633delinsAATTTT on transcript NM_001130987.2 (MANE Select); coding-DNA positions 5628 to 5633, CATTTA replaced by AATTTT.
Protein change: p.Asp1876_Tyr1878delinsGluIlePhe.
Molecular consequence: missense variant.
Genome position (GRCh38, 1-based): chr2:71,669,193-71,669,198, CATTTA replaced by AATTTT. VCF-style: chr2-71669193-CATTTA-AATTTT. GRCh37 (hg19) VCF-style: chr2-71896323-CATTTA-AATTTT.
Other names: c.5514_5519delinsAATTTT, p.Asp1838_Tyr1840delinsGluIlePhe (NM_001130455.2); c.5469_5474delinsAATTTT, p.Asp1823_Tyr1825delinsGluIlePhe (NM_001130976.2); c.5532_5537delinsAATTTT, p.Asp1844_Tyr1846delinsGluIlePhe (NM_001130977.2); c.5574_5579delinsAATTTT, p.Asp1858_Tyr1860delinsGluIlePhe (NM_001130978.2); c.5604_5609delinsAATTTT, p.Asp1868_Tyr1870delinsGluIlePhe (NM_001130979.2); c.5562_5567delinsAATTTT, p.Asp1854_Tyr1856delinsGluIlePhe (NM_001130980.2); c.5625_5630delinsAATTTT, p.Asp1875_Tyr1877delinsGluIlePhe (NM_001130981.2); c.5607_5612delinsAATTTT, p.Asp1869_Tyr1871delinsGluIlePhe (NM_001130982.2); and 5 more.
Identifiers: ClinVar variation 4815156 (VCV004815156.1).
Genomic context (GRCh38, chr2:71,669,193, plus strand): 5'-CTGGAATACCAGAGATGTGATCCTGGATGACCTGAGCCTCACGGGGGAGAAGATGAGCGA[CATTTA>AATTTT]TGTGAAAGGGTAGGGAGCCAGCGTCCTCTTGCCTGTCCAGCTTCCCGCAGCTCCCGTGCT-3'